The following is an entry in ClinVar:

NM_139057.4(ADAMTS17):c.2732C>T (p.Ala911Val)

Gene: ADAMTS17 (ADAM metallopeptidase with thrombospondin type 1 motif 17; minus strand). Cytogenetic location: 15q26.3.
Variant type: single nucleotide variant.
Coding change: c.2732C>T on transcript NM_139057.4 (MANE Select); coding-DNA position 2732, C replaced by T.
Protein change: p.Ala911Val; replaces alanine 911 with valine.
Molecular consequence: missense variant.
Genome position (GRCh38, 1-based): chr15:99,997,449, G>A on the plus strand (C>T on the coding strand, the complement: ADAMTS17 is on the minus strand). VCF-style: chr15-99997449-G-A. GRCh37 (hg19) VCF-style: chr15-100537654-G-A.
Other names: c.2732C>T (NM_139057.2); short protein forms A911V.
Identifiers: ClinVar variation 1508978 (VCV001508978.7), dbSNP rs369161179, ClinGen allele CA7757599.

ClinVar aggregate classification (germline): Uncertain significance. Review status: criteria provided, multiple submitters, no conflicts (2 of 4 stars). 2 submissions from 2 submitters: Uncertain significance (2). Last evaluated 2025-08-10.

Conditions:
Inborn genetic diseases. Identifiers: MedGen C0950123, MeSH D030342.

Allele frequency attached by ClinVar (database versions not stated): gnomAD 0.00001 and 0.00007; TOPMed 0.00003; ESP Exome Variant Server 0.00015; gnomAD exomes 0.00015; ExAC 0.00019; 1000 Genomes Project 30x 0.00047; 1000 Genomes Project 0.00060.
gnomAD v4.1: 150 of 1,613,590 alleles (0.0093%); highest among the groups gnomAD compares: South Asian, 0.088%; 1 homozygote.

Submissions (2):

Ambry Genetics
Classification: Uncertain significance for Inborn genetic diseases. Last evaluated: 2025-08-10. Review status: criteria provided, single submitter. Criteria: Ambry Variant Classification Scheme 2023. Collection method: clinical testing. Allele origin: germline.

Labcorp Genetics (formerly Invitae), Labcorp
Classification: Uncertain significance. Last evaluated: 2022-06-11. Review status: criteria provided, single submitter. Criteria: Invitae Variant Classification Sherloc (09022015). Collection method: clinical testing. Allele origin: germline.
Comment: This sequence change replaces alanine, which is neutral and non-polar, with valine, which is neutral and non-polar, at codon 911 of the ADAMTS17 protein (p.Ala911Val). This variant is present in population databases (rs369161179, gnomAD 0.09%). This variant has not been reported in the literature in individuals affected with ADAMTS17-related conditions. Algorithms developed to predict the effect of missense changes on protein structure and function are either unavailable or do not agree on the potential impact of this missense change (SIFT: "Not Available"; PolyPhen-2: "Benign"; Align-GVGD: "Not Available"). In summary, the available evidence is currently insufficient to determine the role of this variant in disease. Therefore, it has been classified as a Variant of Uncertain Significance.